The following is an entry in ClinVar:

ClinVar aggregate classification (germline): Likely benign. Review status: criteria provided, multiple submitters, no conflicts (2 of 4 stars). 2 submissions from 2 submitters: Likely benign (2). Last evaluated 2023-09-04.

Conditions:
Hereditary cancer-predisposing syndrome. Also called: Hereditary neoplastic syndrome; Tumor predisposition; Hereditary Cancer Syndrome; Neoplastic Syndromes, Hereditary. Identifiers: Orphanet 140162, MedGen C0027672, MeSH D009386, MONDO:0015356.
Lynch syndrome. Identifiers: Orphanet 144, MedGen C4552100, MONDO:0005835. Disease mechanism: loss of function.

gnomAD v4.1: 2 of 1,611,194 alleles (0.00012%); highest among the groups gnomAD compares: East Asian, 0.0022%; no homozygotes.

Submissions (2):

All of Us Research Program, National Institutes of Health
Classification: Likely benign for Lynch syndrome. Last evaluated: 2023-09-04. Review status: criteria provided, single submitter. Criteria: ACMG Guidelines, 2015. Collection method: clinical testing. Allele origin: germline. Inheritance: Autosomal dominant inheritance. Observed: 1 variant allele, 1 heterozygote.
Comment: This study involves interpretation of variants in research participants for the purpose of population health screening. Participant phenotype was not available at the time of variant classification. Additional details can be found in publication PMID: 35346344, PMCID: PMC8962531

Color Diagnostics, LLC DBA Color Health
Classification: Likely benign for Hereditary cancer-predisposing syndrome. Last evaluated: 2016-12-09. Review status: criteria provided, single submitter. Criteria: ACMG Guidelines, 2015. Collection method: clinical testing. Allele origin: germline.

NM_000179.3(MSH6):c.-11C>T

Gene: MSH6 (mutS homolog 6; plus strand). Cytogenetic location: 2p16.3.
Variant type: single nucleotide variant.
Coding change: c.-11C>T on transcript NM_000179.3 (MANE Select); 11 bases upstream of the start codon, C replaced by T.
Molecular consequence: 5 prime UTR variant.
Genome position (GRCh38, 1-based): chr2:47,783,223, C>T. VCF-style: chr2-47783223-C-T. GRCh37 (hg19) VCF-style: chr2-48010362-C-T.
Other names: c.-11C>T (NM_001281492.2); c.-747C>T (NM_001281493.2).
Identifiers: ClinVar variation 491856 (VCV000491856.4), dbSNP rs1225209597, ClinGen allele CA658683185.